The following is an entry in ClinVar:

NM_001128431.4(SLC39A14):c.32A>G (p.Gln11Arg)

Gene: SLC39A14 (solute carrier family 39 member 14; plus strand). Cytogenetic location: 8p21.3.
Variant type: single nucleotide variant.
Coding change: c.32A>G on transcript NM_001128431.4 (MANE Select); coding-DNA position 32, A replaced by G.
Protein change: p.Gln11Arg; replaces glutamine 11 with arginine.
Molecular consequence: missense variant.
Genome position (GRCh38, 1-based): chr8:22,404,742, A>G. VCF-style: chr8-22404742-A-G. GRCh37 (hg19) VCF-style: chr8-22262255-A-G.
Other names: c.32A>G, p.Gln11Arg (NM_001135153.3, NM_001135154.3, NM_001351655.2 and 3 more transcripts); c.62A>G, p.Gln21Arg (NM_001351657.2, NM_001351658.2, NM_001351659.2); short protein forms Q21R, Q11R.
Identifiers: ClinVar variation 2168294 (VCV002168294.1), dbSNP rs776240244, ClinGen allele CA4667211.
Genomic context (GRCh38, chr8:22,404,742, plus strand): 5'-TTTTTCTCTCACAGGTTTATTCAGTCACCATGAAGCTGCTGCTGCTGCACCCGGCCTTCC[A>G]GAGCTGCCTCCTGCTGACCCTGCTTGGCTTATGGAGAACCACCCCTGAGGCTCACGCTTC-3'
Protein context (NP_001121903.1, residues 1-21): MKLLLLHPAF[Gln11Arg]SCLLLTLLGL

ClinVar aggregate classification (germline): Uncertain significance (1 of 4 stars; one submission).

Allele frequency attached by ClinVar (database versions not stated): gnomAD 0.00002; TOPMed 0.00002; ExAC 0.00003.
gnomAD v4.1: 113 of 1,613,732 alleles (0.007%); highest among the groups gnomAD compares: Non-Finnish European, 0.009%; no homozygotes.

Submission:

Labcorp Genetics (formerly Invitae), Labcorp
Classification: Uncertain significance. Last evaluated: 2022-08-10. Review status: criteria provided, single submitter. Criteria: Invitae Variant Classification Sherloc (09022015). Collection method: clinical testing. Allele origin: germline.
Comment: This sequence change replaces glutamine, which is neutral and polar, with arginine, which is basic and polar, at codon 11 of the SLC39A14 protein (p.Gln11Arg). This variant is present in population databases (rs776240244, gnomAD 0.008%). This variant has not been reported in the literature in individuals affected with SLC39A14-related conditions. Algorithms developed to predict the effect of missense changes on protein structure and function (SIFT, PolyPhen-2, Align-GVGD) all suggest that this variant is likely to be tolerated. In summary, the available evidence is currently insufficient to determine the role of this variant in disease. Therefore, it has been classified as a Variant of Uncertain Significance.